The following is an entry in ClinVar:

Single allele

Variant type: Duplication.
Genome position: GRCh38: chr9:29,919,241-29,928,184. GRCh37 (hg19): chr9:29,919,239-29,928,182.
Identifiers: ClinVar variation 157143 (VCV000157143.2).

ClinVar aggregate classification (germline): not provided (0 of 4 stars; one submission).

Conditions:
Gestational diabetes mellitus uncontrolled. Identifiers: MedGen C3532257.

Submission:

Institute of Molecular and Cell Biology, University of Tartu
No classification provided. Condition: Gestational diabetes mellitus uncontrolled. Review status: no classification provided. Collection method: case-control. Allele origin: unknown. Affected: yes. Study: Kasak2014.
Comment: The study aimed to determine the contribution of copy number variants in the genetic etiology of normal and complicated pregnancies. The samples represented (i) maternal blood DNA drawn from healthy pregnant women during 1st or 2nd trimester and (ii) maternal and paternal blood DNA drawn at term pregnancy cases representing normal and complicated gestations (severe preeclampsia, PE; gestational diabetes, GD; small-for-gestational age newborn, SGA; large-for-gestational age newborn, LGA). We performed CNV calling based on genome-wide genotyping dataset (Illumina HumanOmniExpress-24-v1 BeadChip) by applying three algorithms, QuantiSNP, GADA (Genome Alteration Detection Algorithm) and CNstream in parallel. The acquired CNV calls were merged with HD-CNV (Hotspot Detector for Copy Number Variants) program and only the CNVs predicted by at least two programs, were considered in subsequent analysis.

Literature cited by the submitters: PubMed 25666259.